The following is an entry in ClinVar:

ClinVar aggregate classification (germline): Likely pathogenic (1 of 4 stars; one submission).

Conditions:
Finnish congenital nephrotic syndrome (NPHS1). Also called: NEPHROTIC SYNDROME, TYPE 1. Identifiers: Orphanet 839, MedGen C0403399, MONDO:0009732, OMIM 256300.

Submission:

Myriad Genetics, Inc.
Classification: Likely pathogenic for Finnish congenital nephrotic syndrome. Last evaluated: 2022-03-29. Review status: criteria provided, single submitter. Criteria: Myriad Women's Health Autosomal Recessive and X-Linked Classification Criteria (2021). Collection method: clinical testing. Allele origin: unknown.
Comment: NM_004646.3(NPHS1):c.483_484delGT(S162Wfs*8) is expected to be pathogenic in the context of nephrotic syndrome, NPHS1-related. This variant is predicted to lead to an abnormal or absent protein product due to the creation of a premature termination codon in NPHS1, a gene where loss-of-function variants are known to be pathogenic. Please note: this variant was assessed in the context of healthy population screening.

NM_004646.4(NPHS1):c.483_484del (p.Ser162fs)

Gene: NPHS1 (NPHS1 adhesion molecule, nephrin; minus strand). Cytogenetic location: 19q13.12.
Variant type: Microsatellite.
Coding change: c.483_484del on transcript NM_004646.4 (MANE Select); coding-DNA positions 483 to 484, 2 bases deleted (GT; older notation c.483_484delGT).
Protein change: p.Ser162fs; shifts the reading frame from serine 162.
Molecular consequence: frameshift variant.
Genome position (GRCh38, 1-based): chr19:35,851,003-35,851,004, AC deleted on the plus strand (GT on the coding strand, the reverse complement: NPHS1 is on the minus strand); deleting any 2 consecutive bases within chr19:35,851,003-35,851,009 gives the same sequence; the c. name uses the placement nearest the transcript's 3' end. VCF-style (leftmost placement, unchanged base first): chr19-35851002-GAC-G. GRCh37 (hg19) VCF-style: chr19-36341904-GAC-G.
Other names: c.478_479TG[2], p.Ser162Trpfs (NM_004646.3); short protein forms S162fs.
Identifiers: ClinVar variation 1725501 (VCV001725501.3), dbSNP rs2513783839, ClinGen allele CA2580612605.